The following is an entry in ClinVar:

NM_004655.4(AXIN2):c.2258T>A (p.Leu753Gln)

Gene: AXIN2 (axin 2; minus strand). Cytogenetic location: 17q24.1.
Variant type: single nucleotide variant.
Coding change: c.2258T>A on transcript NM_004655.4 (MANE Select); coding-DNA position 2258, T replaced by A.
Protein change: p.Leu753Gln; replaces leucine 753 with glutamine.
Molecular consequence: missense variant.
Genome position (GRCh38, 1-based): chr17:65,534,059, A>T on the plus strand (T>A on the coding strand, the complement: AXIN2 is on the minus strand). VCF-style: chr17-65534059-A-T. GRCh37 (hg19) VCF-style: chr17-63530177-A-T.
Other names: c.2063T>A, p.Leu688Gln (NM_001363813.1); short protein forms L688Q, L753Q.
Identifiers: ClinVar variation 4867298 (VCV004867298.1).
Genomic context (GRCh38, chr17:65,534,059, plus strand): 5'-TCCCCACAGAAAAAGTAAGTGACAACCAACTCACTGGCCTGGAGCGCGTGGACACCTGCC[A>T]GTTTCTTTGGCTCTTTGTGACTGAAAATAAGATGGAATGGAACAAGTTTAGCATTTTAAA-3'
Protein context (NP_004646.3, residues 743-763): APEDHKEPKK[Leu753Gln]AGVHALQASE

ClinVar aggregate classification (germline): Uncertain significance (1 of 4 stars; one submission).

Conditions:
Hereditary cancer-predisposing syndrome. Also called: Neoplastic Syndromes, Hereditary; Tumor predisposition; Hereditary Cancer Syndrome; Hereditary neoplastic syndrome. Identifiers: Orphanet 140162, MedGen C0027672, MeSH D009386, MONDO:0015356.

gnomAD v4.1: 1 of 1,614,248 alleles (0.000062%); highest among the groups gnomAD compares: Non-Finnish European, 0.000085%; no homozygotes.

Submission:

Ambry Genetics
Classification: Uncertain significance for Hereditary cancer-predisposing syndrome. Last evaluated: 2026-04-02. Review status: criteria provided, single submitter. Criteria: Ambry Variant Classification Scheme 2023. Collection method: clinical testing. Allele origin: germline.
Comment: The p.L753Q variant (also known as c.2258T>A), located in coding exon 9 of the AXIN2 gene, results from a T to A substitution at nucleotide position 2258. The leucine at codon 753 is replaced by glutamine, an amino acid with dissimilar properties. This amino acid position is conserved. In addition, this alteration is predicted to be tolerated by in silico analysis. Based on the available evidence, the clinical significance of this variant remains unclear.